The following is an entry in ClinVar:

ClinVar aggregate classification (germline): Uncertain significance (1 of 4 stars; one submission).

Conditions:
Charcot-Marie-Tooth disease, demyelinating, type 1J. Also called: CHARCOT-MARIE-TOOTH NEUROPATHY, DEMYELINATING, TYPE 1J. Identifiers: MedGen C5774249, MONDO:0859311, OMIM 620111.

gnomAD v4.1: 10 of 1,614,038 alleles (0.00062%); highest among the groups gnomAD compares: Non-Finnish European, 0.00076%; no homozygotes.

Submission:

MVZ Medizinische Genetik Mainz
Classification: Uncertain significance for Charcot-Marie-Tooth disease, demyelinating, type 1J. Last evaluated: 2026-01-29. Review status: criteria provided, single submitter. Criteria: UK Practice Guidelines For Variant Classification V4 01 2020. Collection method: clinical testing. Allele origin: germline. Inheritance: Autosomal dominant inheritance. Affected: yes. Observed: 1 variant allele.
Comment: ACMG Criteria: PP3_MOD,PM2_SUP

NM_002224.4(ITPR3):c.7976G>A (p.Arg2659His)

Gene: ITPR3 (inositol 1,4,5-trisphosphate receptor type 3; plus strand). Cytogenetic location: 6p21.31.
Variant type: single nucleotide variant.
Coding change: c.7976G>A on transcript NM_002224.4 (MANE Select); coding-DNA position 7976, G replaced by A.
Protein change: p.Arg2659His; replaces arginine 2659 with histidine.
Molecular consequence: missense variant.
Genome position (GRCh38, 1-based): chr6:33,695,740, G>A. VCF-style: chr6-33695740-G-A. GRCh37 (hg19) VCF-style: chr6-33663517-G-A.
Other names: short protein forms R2659H.
Identifiers: ClinVar variation 4796803 (VCV004796803.1).